The following is an entry in ClinVar:

ClinVar aggregate classification (germline): Uncertain significance (1 of 4 stars; one submission).

Conditions:
Autoimmune lymphoproliferative syndrome type 2B. Also called: AUTOIMMUNE LYMPHOPROLIFERATIVE SYNDROME, TYPE IIB. Identifiers: Orphanet 275517, MedGen C1846545, MONDO:0011804, OMIM 607271.

Allele frequency attached by ClinVar (database versions not stated): TOPMed 0.00002.
gnomAD v4.1: 21 of 1,613,530 alleles (0.0013%); highest among the groups gnomAD compares: Non-Finnish European, 0.0017%; no homozygotes.

Submission:

Labcorp Genetics (formerly Invitae), Labcorp
Classification: Uncertain significance for Autoimmune lymphoproliferative syndrome type 2B. Last evaluated: 2022-04-12. Review status: criteria provided, single submitter. Criteria: Invitae Variant Classification Sherloc (09022015). Collection method: clinical testing. Allele origin: germline.
Comment: This sequence change replaces threonine, which is neutral and polar, with arginine, which is basic and polar, at codon 289 of the CASP8 protein (p.Thr289Arg). This variant is present in population databases (no rsID available, gnomAD 0.007%). This variant has not been reported in the literature in individuals affected with CASP8-related conditions. ClinVar contains an entry for this variant (Variation ID: 841249). Algorithms developed to predict the effect of missense changes on protein structure and function (SIFT, PolyPhen-2, Align-GVGD) all suggest that this variant is likely to be tolerated. Algorithms developed to predict the effect of sequence changes on RNA splicing suggest that this variant may create or strengthen a splice site. In summary, the available evidence is currently insufficient to determine the role of this variant in disease. Therefore, it has been classified as a Variant of Uncertain Significance.

NM_001372051.1(CASP8):c.815C>G (p.Thr272Arg)

Gene: CASP8 (caspase 8; plus strand). Cytogenetic location: 2q33.1.
Variant type: single nucleotide variant.
Coding change: c.815C>G on transcript NM_001372051.1 (MANE Select); coding-DNA position 815, C replaced by G.
Protein change: p.Thr272Arg; replaces threonine 272 with arginine.
Molecular consequence: missense variant. On other transcripts: non-coding transcript variant (22), intron variant (1).
Genome position (GRCh38, 1-based): chr2:201,284,828, C>G. VCF-style: chr2-201284828-C-G. GRCh37 (hg19) VCF-style: chr2-202149551-C-G.
Other names: c.770C>G, p.Thr257Arg (NM_001080124.2, NM_001400658.1, NM_001400659.1 and 5 more transcripts); c.992C>G, p.Thr331Arg (NM_001080125.2); c.866C>G, p.Thr289Arg (NM_001228.5); c.947C>G, p.Thr316Arg (NM_001400642.1); c.848C>G, p.Thr283Arg (NM_001400645.1); c.815C>G, p.Thr272Arg (NM_001400648.1, NM_001400651.1, NM_001400653.1 and 5 more transcripts); c.746C>G, p.Thr249Arg (NM_001400664.1); c.740C>G, p.Thr247Arg (NM_001400665.1); and 7 more; short protein forms T257R, T331R, T289R, T272R, T169R, T188R, T203R, T247R.
Identifiers: ClinVar variation 841249 (VCV000841249.7), dbSNP rs139337151, ClinGen allele CA350298359.